The following is an entry in ClinVar:

ClinVar aggregate classification (germline): Likely benign (0 of 4 stars; one submission).

Conditions:
HLA-DRB1-related disorder. Also called: HLA-DRB1-related condition.

Allele frequency attached by ClinVar (database versions not stated): 1000 Genomes Project 0.13199; 1000 Genomes Project 30x 0.20581.

Submissions (22):

PreventionGenetics, part of Exact Sciences
Classification: Likely benign for HLA-DRB1-related condition. Last evaluated: 2020-12-17. Review status: no assertion criteria provided. Collection method: clinical testing. Allele origin: germline.
Comment: This variant is classified as likely benign based on ACMG/AMP sequence variant interpretation guidelines (Richards et al. 2015 PMID: 25741868, with internal and published modifications).

Dr. Peter K. Rogan Lab, Western University
No classification provided (evidence only). Condition: Lung cancer. Review status: no classification provided. Collection method: in vitro. Allele origin: not applicable. Functional consequence: retained intron. Not counted in ClinVar's aggregate classification.

Dr. Peter K. Rogan Lab, Western University
No classification provided (evidence only). Condition: Familial cancer of breast. Review status: no classification provided. Collection method: in vitro. Allele origin: not applicable. Functional consequence: retained intron. Not counted in ClinVar's aggregate classification.

Dr. Peter K. Rogan Lab, Western University
No classification provided (evidence only). Condition: Familial cancer of breast. Review status: no classification provided. Collection method: in vitro. Allele origin: not applicable. Functional consequence: retained intron. Not counted in ClinVar's aggregate classification.

Dr. Peter K. Rogan Lab, Western University
No classification provided (evidence only). Condition: Familial cancer of breast. Review status: no classification provided. Collection method: in vitro. Allele origin: not applicable. Functional consequence: retained intron. Not counted in ClinVar's aggregate classification.

Dr. Peter K. Rogan Lab, Western University
No classification provided (evidence only). Condition: Familial cancer of breast. Review status: no classification provided. Collection method: in vitro. Allele origin: not applicable. Functional consequence: retained intron. Not counted in ClinVar's aggregate classification.

Dr. Peter K. Rogan Lab, Western University
No classification provided (evidence only). Condition: Acute myeloid leukemia. Review status: no classification provided. Collection method: in vitro. Allele origin: not applicable. Functional consequence: retained intron. Not counted in ClinVar's aggregate classification.

Dr. Peter K. Rogan Lab, Western University
No classification provided (evidence only). Condition: Acute myeloid leukemia. Review status: no classification provided. Collection method: in vitro. Allele origin: not applicable. Functional consequence: retained intron. Not counted in ClinVar's aggregate classification.

Dr. Peter K. Rogan Lab, Western University
No classification provided (evidence only). Condition: Acute myeloid leukemia. Review status: no classification provided. Collection method: in vitro. Allele origin: not applicable. Functional consequence: retained intron. Not counted in ClinVar's aggregate classification.

Dr. Peter K. Rogan Lab, Western University
No classification provided (evidence only). Condition: Colon adenocarcinoma. Review status: no classification provided. Collection method: in vitro. Allele origin: not applicable. Functional consequence: retained intron. Not counted in ClinVar's aggregate classification.

Dr. Peter K. Rogan Lab, Western University
No classification provided (evidence only). Condition: Colon adenocarcinoma. Review status: no classification provided. Collection method: in vitro. Allele origin: not applicable. Functional consequence: retained intron. Not counted in ClinVar's aggregate classification.

Dr. Peter K. Rogan Lab, Western University
No classification provided (evidence only). Condition: Colon adenocarcinoma. Review status: no classification provided. Collection method: in vitro. Allele origin: not applicable. Functional consequence: retained intron. Not counted in ClinVar's aggregate classification.

Dr. Peter K. Rogan Lab, Western University
No classification provided (evidence only). Condition: Colorectal cancer. Review status: no classification provided. Collection method: in vitro. Allele origin: not applicable. Functional consequence: retained intron. Not counted in ClinVar's aggregate classification.

Dr. Peter K. Rogan Lab, Western University
No classification provided (evidence only). Condition: Uterine corpus endometrial carcinoma. Review status: no classification provided. Collection method: in vitro. Allele origin: not applicable. Functional consequence: retained intron. Not counted in ClinVar's aggregate classification.

Dr. Peter K. Rogan Lab, Western University
No classification provided (evidence only). Condition: Hepatocellular carcinoma. Review status: no classification provided. Collection method: in vitro. Allele origin: not applicable. Functional consequence: retained intron. Not counted in ClinVar's aggregate classification.

Dr. Peter K. Rogan Lab, Western University
No classification provided (evidence only). Condition: Hepatocellular carcinoma. Review status: no classification provided. Collection method: in vitro. Allele origin: not applicable. Functional consequence: retained intron. Not counted in ClinVar's aggregate classification.

Dr. Peter K. Rogan Lab, Western University
No classification provided (evidence only). Condition: Hepatocellular carcinoma. Review status: no classification provided. Collection method: in vitro. Allele origin: not applicable. Functional consequence: retained intron. Not counted in ClinVar's aggregate classification.

Dr. Peter K. Rogan Lab, Western University
No classification provided (evidence only). Condition: Nonpapillary renal cell carcinoma. Review status: no classification provided. Collection method: in vitro. Allele origin: not applicable. Functional consequence: retained intron. Not counted in ClinVar's aggregate classification.

Dr. Peter K. Rogan Lab, Western University
No classification provided (evidence only). Condition: Malignant tumor of esophagus. Review status: no classification provided. Collection method: in vitro. Allele origin: not applicable. Functional consequence: retained intron. Not counted in ClinVar's aggregate classification.

Dr. Peter K. Rogan Lab, Western University
No classification provided (evidence only). Condition: Chronic lymphocytic leukemia/small lymphocytic lymphoma. Review status: no classification provided. Collection method: in vitro. Allele origin: not applicable. Functional consequence: retained intron. Not counted in ClinVar's aggregate classification.

Dr. Peter K. Rogan Lab, Western University
No classification provided (evidence only). Condition: Chronic lymphocytic leukemia/small lymphocytic lymphoma. Review status: no classification provided. Collection method: in vitro. Allele origin: not applicable. Functional consequence: retained intron. Not counted in ClinVar's aggregate classification.

Dr. Peter K. Rogan Lab, Western University
No classification provided (evidence only). Condition: Hepatocellular carcinoma. Review status: no classification provided. Collection method: in vitro. Allele origin: not applicable. Functional consequence: retained intron. Not counted in ClinVar's aggregate classification.

NM_002124.4(HLA-DRB1):c.100+1G>C

Gene: HLA-DRB1 (major histocompatibility complex, class II, DR beta 1; minus strand). Cytogenetic location: 6p21.32.
Variant type: single nucleotide variant.
Coding change: c.100+1G>C on transcript NM_002124.4 (MANE Select); the canonical splice donor site of the intron after coding-DNA position 100, G replaced by C.
Molecular consequence: splice donor variant.
Genome position (GRCh38, 1-based): chr6:32,589,642, C>G on the plus strand (G>C on the coding strand, the complement: HLA-DRB1 is on the minus strand). VCF-style: chr6-32589642-C-G. GRCh37 (hg19) VCF-style: chr6-32557419-C-G.
Other names: NC_000006.11:g.32557419C>G.
Identifiers: ClinVar variation 3059066 (VCV003059066.3), dbSNP rs201278923, ClinGen allele CA3743529.